The following is an entry in ClinVar:

ClinVar aggregate classification (germline): Uncertain significance (1 of 4 stars; one submission).

Conditions:
Hypertrophic cardiomyopathy. Also called: HYPERTROPHIC MYOCARDIOPATHY. Identifiers: Orphanet 217569, MedGen C0007194, MeSH D002312, MONDO:0005045, HP:0001639.

Submission:

Labcorp Genetics (formerly Invitae), Labcorp
Classification: Uncertain significance for Hypertrophic cardiomyopathy. Last evaluated: 2021-11-05. Review status: criteria provided, single submitter. Criteria: Invitae Variant Classification Sherloc (09022015). Collection method: clinical testing. Allele origin: germline.
Comment: In summary, the available evidence is currently insufficient to determine the role of this variant in disease. Therefore, it has been classified as a Variant of Uncertain Significance. This variant is found within a region of MYH7 between codons 181 and 937 that contains the majority of the myosin head domain. Missense variants in this region have been shown to be significantly overrepresented in individuals with hypertrophic cardiomyopathy (PMID: 27532257). Algorithms developed to predict the effect of missense changes on protein structure and function are either unavailable or do not agree on the potential impact of this missense change (SIFT: "Deleterious"; PolyPhen-2: "Probably Damaging"; Align-GVGD: "Class C0"). This variant has not been reported in the literature in individuals affected with MYH7-related conditions. This variant is not present in population databases (gnomAD no frequency). This sequence change replaces cysteine, which is neutral and slightly polar, with tryptophan, which is neutral and slightly polar, at codon 400 of the MYH7 protein (p.Cys400Trp).

Literature cited by the submitters: PubMed 27532257.

NM_000257.4(MYH7):c.1200C>G (p.Cys400Trp)

Gene: MYH7 (myosin heavy chain 7; minus strand). Cytogenetic location: 14q11.2.
Variant type: single nucleotide variant.
Coding change: c.1200C>G on transcript NM_000257.4 (MANE Select); coding-DNA position 1200, C replaced by G.
Protein change: p.Cys400Trp; replaces cysteine 400 with tryptophan.
Molecular consequence: missense variant.
Genome position (GRCh38, 1-based): chr14:23,429,286, G>C on the plus strand (C>G on the coding strand, the complement: MYH7 is on the minus strand). VCF-style: chr14-23429286-G-C. GRCh37 (hg19) VCF-style: chr14-23898495-G-C.
Other names: short protein forms C400W.
Identifiers: ClinVar variation 1487105 (VCV001487105.6), dbSNP rs374806617, ClinGen allele CA389051135.